The following is an entry in ClinVar:

NM_020937.4(FANCM):c.569C>A (p.Thr190Lys)

Gene: FANCM (FA complementation group M; plus strand). Cytogenetic location: 14q21.2.
Variant type: single nucleotide variant.
Coding change: c.569C>A on transcript NM_020937.4 (MANE Select); coding-DNA position 569, C replaced by A.
Protein change: p.Thr190Lys; replaces threonine 190 with lysine.
Molecular consequence: missense variant.
Genome position (GRCh38, 1-based): chr14:45,137,129, C>A. VCF-style: chr14-45137129-C-A. GRCh37 (hg19) VCF-style: chr14-45606332-C-A.
Other names: c.569C>A, p.Thr190Lys (NM_001308133.2, NM_001308134.2); short protein forms T190K.
Identifiers: ClinVar variation 4619557 (VCV004619557.1).

ClinVar aggregate classification (germline): Uncertain significance (1 of 4 stars; one submission).

Conditions:
Inborn genetic diseases. Identifiers: MedGen C0950123, MeSH D030342.

gnomAD v4.1: 1 of 1,613,334 alleles (0.000062%); highest among the groups gnomAD compares: Non-Finnish European, 0.000085%; no homozygotes.

Submission:

Ambry Genetics
Classification: Uncertain significance for Inborn genetic diseases. Last evaluated: 2025-11-02. Review status: criteria provided, single submitter. Criteria: Ambry Variant Classification Scheme 2023. Collection method: clinical testing. Allele origin: germline.
Comment: The p.T190K variant (also known as c.569C>A), located in coding exon 2 of the FANCM gene, results from a C to A substitution at nucleotide position 569. The threonine at codon 190 is replaced by lysine, an amino acid with similar properties. This amino acid position is conserved. In addition, the in silico prediction for this alteration is inconclusive. Based on the available evidence, the clinical significance of this variant remains unclear.